The following is an entry in ClinVar:

NM_004434.3(EML1):c.2272G>A (p.Asp758Asn)

Genes: EML1 (EMAP like 1; plus strand), LOC126862047 (BRD4-independent group 4 enhancer GRCh37_chr14:100405395-100406594; plus strand). Cytogenetic location: 14q32.2.
Variant type: single nucleotide variant.
Coding change: c.2272G>A on transcript NM_004434.3 (MANE Select); coding-DNA position 2272, G replaced by A.
Protein change: p.Asp758Asn; replaces aspartic acid 758 with asparagine.
Molecular consequence: missense variant.
Genome position (GRCh38, 1-based): chr14:99,939,277, G>A. VCF-style: chr14-99939277-G-A. GRCh37 (hg19) VCF-style: chr14-100405614-G-A.
Other names: c.2329G>A, p.Asp777Asn (NM_001008707.2); c.2233G>A, p.Asp745Asn (NM_001375411.1); c.2140G>A, p.Asp714Asn (NM_001375412.1); short protein forms D714N, D745N, D758N, D777N.
Identifiers: ClinVar variation 1805489 (VCV001805489.1), dbSNP rs967391724, ClinGen allele CA266532606.
Genomic context (GRCh38, chr14:99,939,277, plus strand): 5'-GACGGAACCGACATCAATGCCGTCTGTCGGGCCCATGAGAAGAAACTCCTGTCAACAGGC[G>A]ACGACTTTGGCAAAGTGCACCTCTTCTCATACCCCTGCTCGCAGTTCAGGGTAAAGGACT-3'
Protein context (NP_004425.2, residues 748-768): AHEKKLLSTG[Asp758Asn]DFGKVHLFSY

ClinVar aggregate classification (germline): Uncertain significance (1 of 4 stars; one submission).

Conditions:
Band heterotopia of brain. Also called: Band heterotopia. Identifiers: MedGen C4284594, MONDO:0010873, OMIM 600348.

Allele frequency attached by ClinVar (database versions not stated): gnomAD exomes below 0.00001; TOPMed 0.00001.
gnomAD v4.1: 3 of 1,614,208 alleles (0.00019%); highest among the groups gnomAD compares: African/African-American, 0.0013%; no homozygotes.

Submission:

Victorian Clinical Genetics Services, Murdoch Childrens Research Institute
Classification: Uncertain significance for Band heterotopia of brain. Last evaluated: 2020-05-21. Review status: criteria provided, single submitter. Criteria: ACMG Guidelines, 2015. Collection method: clinical testing. Allele origin: germline. Inheritance: Autosomal recessive inheritance. Affected: yes.
Comment: Based on the classification scheme VCGS_Germline_v1.1.1, this variant is classified as 3B-VUS. Following criteria are met: 0102 - Loss-of-function is a known mechanism of disease for this gene. (N) 0106 - This gene is known to be associated with autosomal recessive disease. (N) 0200 - Variant is predicted to result in a missense amino acid change from aspartic acid to asparagine (exon 21). (N) 0251 - Variant is heterozygous. (N) 0301 - Variant is absent from gnomAD. (P) 0502 - Missense variant with conflicting in silico predictions and/or uninformative conservation. (N) 0600 - Variant is located in an annotated domain or motif. (C-terminal ß-propeller domain; PMID: 28556411) (N) 0705 - No comparable variants have previous evidence for pathogenicity. (N) 0807 - Variant has not previously been reported in a clinical context. (N) 0905 - No segregation evidence has been identified for this variant. (N) 1007 - No published functional evidence has been identified for this variant. (N) 1208 - Inheritance information for this variant is not currently available. (N) Legend: (P) - Pathogenic, (N) - Neutral, (B) - Benign

Literature cited by the submitters: PubMed 28556411.